The following is an entry in ClinVar:

ClinVar aggregate classification (germline): Likely pathogenic (1 of 4 stars; one submission).

Conditions:
Autosomal recessive limb-girdle muscular dystrophy type 2J (LGMDR10). Also called: Limb-girdle muscular dystrophy, type 2J; MUSCULAR DYSTROPHY, LIMB-GIRDLE, AUTOSOMAL RECESSIVE 10. Identifiers: Orphanet 140922, MedGen C1837342, MONDO:0012127, OMIM 608807.
Dilated cardiomyopathy 1G (CMD1G). Identifiers: Orphanet 154, MedGen C1858763, MONDO:0011400, OMIM 604145.

gnomAD v4.1: 3 of 1,613,754 alleles (0.00019%); highest among the groups gnomAD compares: South Asian, 0.0011%; no homozygotes.

Submission:

Labcorp Genetics (formerly Invitae), Labcorp
Classification: Likely pathogenic for Dilated cardiomyopathy 1G; Autosomal recessive limb-girdle muscular dystrophy type 2J. Last evaluated: 2024-11-26. Review status: criteria provided, single submitter. Criteria: Invitae Variant Classification Sherloc (09022015). Collection method: clinical testing. Allele origin: germline.
Comment: This sequence change creates a premature translational stop signal (p.Arg9770*) in the TTN gene. While this is not anticipated to result in nonsense mediated decay, it is expected to create a truncated TTN protein. This variant is present in population databases (no rsID available, gnomAD 0.003%). This variant has not been observed in the literature in individuals with autosomal recessive TTN-related conditions. This variant has been reported in individual(s) with autosomal dominant dilated cardiomyopathy (PMID: 34731015); however, the role of the variant in this condition is currently unclear. This variant is located in the I band of TTN (PMID: 25589632). Truncating variants in this region have been reported in individuals affected with autosomal recessive centronuclear myopathy (PMID: 23975875, internal data). Truncating variants in this region have also been identified in individuals affected with autosomal dominant dilated cardiomyopathy and/or cardio-related conditions (PMID: 27869827, 32964742, internal data). In summary, the currently available evidence indicates that the variant is pathogenic, but additional data are needed to prove that conclusively. Therefore, this variant has been classified as Likely Pathogenic.

Literature cited by the submitters: PubMed 34731015; PubMed 25589632; PubMed 23975875; PubMed 27869827; PubMed 32964742.

NM_001267550.2(TTN):c.29308C>T (p.Arg9770Ter)

Gene: TTN (titin; minus strand). Cytogenetic location: 2q31.2.
Variant type: single nucleotide variant.
Coding change: c.29308C>T on transcript NM_001267550.2 (MANE Select); coding-DNA position 29308, C replaced by T.
Protein change: p.Arg9770Ter; replaces arginine 9770 with a stop codon.
Molecular consequence: nonsense. On other transcripts: intron variant (3).
Genome position (GRCh38, 1-based): chr2:178,706,566, G>A on the plus strand (C>T on the coding strand, the complement: TTN is on the minus strand). VCF-style: chr2-178706566-G-A. GRCh37 (hg19) VCF-style: chr2-179571293-G-A.
Other names: c.28357C>T, p.Arg9453Ter (NM_001256850.1); c.25576C>T, p.Arg8526Ter (NM_133378.4); c.13282+31516C>T (NM_003319.4); c.13858+31516C>T (NM_133437.4); c.13657+31516C>T (NM_133432.3); short protein forms R8526*, R9453*, R9770*.
Identifiers: ClinVar variation 3749901 (VCV003749901.2).